The following is an entry in ClinVar:

NM_000540.3(RYR1):c.8465C>T (p.Thr2822Met)

Genes: RYR1 (ryanodine receptor 1; plus strand), LOC126862902 (BRD4-independent group 4 enhancer GRCh37_chr19:38995830-38997029; plus strand). Cytogenetic location: 19q13.2.
Variant type: single nucleotide variant.
Coding change: c.8465C>T on transcript NM_000540.3 (MANE Select); coding-DNA position 8465, C replaced by T.
Protein change: p.Thr2822Met; replaces threonine 2822 with methionine.
Molecular consequence: missense variant.
Genome position (GRCh38, 1-based): chr19:38,505,870, C>T. VCF-style: chr19-38505870-C-T. GRCh37 (hg19) VCF-style: chr19-38996510-C-T.
Other names: c.8465C>T, p.Thr2822Met (NM_001042723.2); short protein forms T2822M.
Identifiers: ClinVar variation 2162911 (VCV002162911.2), dbSNP rs751301822, ClinGen allele CA072072.

ClinVar aggregate classification (germline): Uncertain significance. Review status: criteria provided, multiple submitters, no conflicts (2 of 4 stars). 2 submissions from 2 submitters: Uncertain significance (2). Last evaluated 2025-07-25.

Conditions:
Malignant hyperthermia, susceptibility to, 1 (MHS1). Also called: RYR1-Related Malignant Hyperthermia Susceptibility; Malignant hyperthermia suceptibility 1; Anesthesia related hyperthermia; Malignant hyperpyrexia; Fulminating hyperpyrexia; Pharmacogenic myopathy. Identifiers: Orphanet 423, MedGen C2930980, MONDO:0007783, OMIM 145600.
RYR1-related disorder. Also called: RYR1-related condition; RYR1-related disorders. Identifiers: MedGen CN239331.

Allele frequency attached by ClinVar (database versions not stated): ExAC 0.00001; gnomAD exomes 0.00001; TOPMed below 0.00001.
gnomAD v4.1: 10 of 1,613,462 alleles (0.00062%); highest among the groups gnomAD compares: Admixed American, 0.005%; no homozygotes.

Submissions (2):

Color Diagnostics, LLC DBA Color Health
Classification: Uncertain significance for Malignant hyperthermia, susceptibility to, 1. Last evaluated: 2025-07-25. Review status: criteria provided, single submitter. Criteria: ACMG Guidelines, 2015. Collection method: clinical testing. Allele origin: germline.
Comment: This missense variant replaces threonine with methionine at codon 2822 of the RYR1 protein. Computational prediction is inconclusive regarding the impact of this variant on protein structure and function. To our knowledge, functional studies have not been reported for this variant. This variant has not been reported in individuals affected with RYR1-related disorders in the literature. This variant has been identified in 2/251376 chromosomes in the general population by the Genome Aggregation Database (gnomAD). The available evidence is insufficient to determine the role of this variant in disease conclusively. Therefore, this variant is classified as a Variant of Uncertain Significance.

Labcorp Genetics (formerly Invitae), Labcorp
Classification: Uncertain significance for RYR1-related disorder. Last evaluated: 2022-04-21. Review status: criteria provided, single submitter. Criteria: Invitae Variant Classification Sherloc (09022015). Collection method: clinical testing. Allele origin: germline.
Comment: This sequence change replaces threonine, which is neutral and polar, with methionine, which is neutral and non-polar, at codon 2822 of the RYR1 protein (p.Thr2822Met). This variant is present in population databases (rs751301822, gnomAD 0.003%). This variant has not been reported in the literature in individuals affected with RYR1-related conditions. Algorithms developed to predict the effect of missense changes on protein structure and function are either unavailable or do not agree on the potential impact of this missense change (SIFT: "Deleterious"; PolyPhen-2: "Benign"; Align-GVGD: "Class C0"). In summary, the available evidence is currently insufficient to determine the role of this variant in disease. Therefore, it has been classified as a Variant of Uncertain Significance.